The following is an entry in ClinVar:

NM_002230.4(JUP):c.1932C>T (p.Tyr644=)

Gene: JUP (junction plakoglobin; minus strand). Cytogenetic location: 17q21.2.
Variant type: single nucleotide variant.
Coding change: c.1932C>T on transcript NM_002230.4 (MANE Select); coding-DNA position 1932, C replaced by T.
Protein change: p.Tyr644=; no amino-acid change (tyrosine 644 retained).
Molecular consequence: synonymous variant.
Genome position (GRCh38, 1-based): chr17:41,757,529, G>A on the plus strand (C>T on the coding strand, the complement: JUP is on the minus strand). VCF-style: chr17-41757529-G-A. GRCh37 (hg19) VCF-style: chr17-39913781-G-A.
Other names: c.1932C>T, p.Tyr644= (NM_001352773.2, NM_001352774.2, NM_001352775.2 and 3 more transcripts).
Identifiers: ClinVar variation 390340 (VCV000390340.17), dbSNP rs201704572, ClinGen allele CA8565063.

ClinVar aggregate classification (germline): Benign/Likely benign. Review status: criteria provided, multiple submitters, no conflicts (2 of 4 stars). 5 submissions from 5 submitters: Benign (1); Likely benign (4). Last evaluated 2025-12-26.

Conditions:
Cardiovascular phenotype. Identifiers: MedGen CN230736.
Naxos disease (NXD). Also called: CARDIOMYOPATHY, ARRHYTHMOGENIC RIGHT VENTRICULAR, WITH SKIN, HAIR, AND NAIL ABNORMALITIES; PALMOPLANTAR KERATODERMA WITH ARRHYTHMOGENIC RIGHT VENTRICULAR CARDIOMYOPATHY AND WOOLLY HAIR; WOOLLY HAIR, PALMOPLANTAR KERATODERMA, AND CARDIAC ABNORMALITIES; KERATOSIS PALMOPLANTARIS WITH ARRHYTHMOGENIC CARDIOMYOPATHY; MAL DE NAXOS. Identifiers: Orphanet 34217, MedGen C1832600, MONDO:0011017, OMIM 601214.
Arrhythmogenic right ventricular dysplasia 12. Also called: ARRHYTHMOGENIC RIGHT VENTRICULAR DYSPLASIA, FAMILIAL, 12. Identifiers: MedGen C1969081, MONDO:0012684, OMIM 611528.

Allele frequency attached by ClinVar (database versions not stated): gnomAD 0.00004 and 0.00005; TOPMed 0.00005; ExAC 0.00009; gnomAD exomes 0.00009; 1000 Genomes Project 0.00020; 1000 Genomes Project 30x 0.00031.
gnomAD v4.1: 46 of 1,614,206 alleles (0.0028%); highest among the groups gnomAD compares: East Asian, 0.045%; no homozygotes.

Submissions (5):

Labcorp Genetics (formerly Invitae), Labcorp
Classification: Likely benign for Arrhythmogenic right ventricular dysplasia 12; Naxos disease. Last evaluated: 2025-12-26. Review status: criteria provided, single submitter. Criteria: Invitae Variant Classification Sherloc (09022015). Collection method: clinical testing. Allele origin: germline.

Women's Health and Genetics/Laboratory Corporation of America, LabCorp
Classification: Benign. Last evaluated: 2024-03-28. Review status: criteria provided, single submitter. Criteria: LabCorp Variant Classification Summary - May 2015. Collection method: clinical testing. Allele origin: germline.

Molecular Diagnostic Laboratory for Inherited Cardiovascular Disease, Montreal Heart Institute
Classification: Likely benign. Last evaluated: 2020-02-28. Review status: criteria provided, single submitter. Criteria: ACMG Guidelines, 2015. Collection method: clinical testing. Allele origin: germline. Affected: yes.

Ambry Genetics
Classification: Likely benign for Cardiovascular phenotype. Last evaluated: 2018-10-08. Review status: criteria provided, single submitter. Criteria: Ambry Variant Classification Scheme 2023. Collection method: clinical testing. Allele origin: germline.

GeneDx
Classification: Likely benign. Last evaluated: 2016-11-01. Review status: criteria provided, single submitter. Criteria: GeneDx Variant Classification (06012015). Collection method: clinical testing. Allele origin: germline. Affected: yes.
Comment: This variant is considered likely benign or benign based on one or more of the following criteria: it is a conservative change, it occurs at a poorly conserved position in the protein, it is predicted to be benign by multiple in silico algorithms, and/or has population frequency not consistent with disease.